The following is an entry in ClinVar:

NM_005045.4(RELN):c.7966G>A (p.Asp2656Asn)

Gene: RELN (reelin; minus strand). Cytogenetic location: 7q22.1.
Variant type: single nucleotide variant.
Coding change: c.7966G>A on transcript NM_005045.4 (MANE Select); coding-DNA position 7966, G replaced by A.
Protein change: p.Asp2656Asn; replaces aspartic acid 2656 with asparagine.
Molecular consequence: missense variant.
Genome position (GRCh38, 1-based): chr7:103,515,338, C>T on the plus strand (G>A on the coding strand, the complement: RELN is on the minus strand). VCF-style: chr7-103515338-C-T. GRCh37 (hg19) VCF-style: chr7-103155785-C-T.
Other names: c.7966G>A, p.Asp2656Asn (NM_173054.3); short protein forms D2656N.
Identifiers: ClinVar variation 2938090 (VCV002938090.3), dbSNP rs2484741080, ClinGen allele CA368763231.
Genomic context (GRCh38, chr7:103,515,338, plus strand): 5'-TGCTGAAGGTGTCCAGCATAACGGTCCTTTGGTCAGCAGAGCCTGAGATGAGGACATTGT[C>T]AATGGCCCAGTCGTTCTGATCCAGGCCGTCATGTCTTGGCTGCCACCAGCGGAAGCGAGT-3'
Protein context (NP_005036.2, residues 2646-2666): DGLDQNDWAI[Asp2656Asn]NVLISGSADQ

ClinVar aggregate classification (germline): Uncertain significance (1 of 4 stars; one submission).

Conditions:
Norman-Roberts syndrome (LIS2). Also called: Lissencephaly 2 (Norman-Roberts type). Identifiers: Orphanet 89844, MedGen C0796089, MONDO:0009760, OMIM 257320.
Familial temporal lobe epilepsy 7. Identifiers: Orphanet 101046, MedGen C4225327, MONDO:0014639, OMIM 616436.

Submission:

Labcorp Genetics (formerly Invitae), Labcorp
Classification: Uncertain significance for Familial temporal lobe epilepsy 7; Norman-Roberts syndrome. Last evaluated: 2023-10-05. Review status: criteria provided, single submitter. Criteria: Invitae Variant Classification Sherloc (09022015). Collection method: clinical testing. Allele origin: germline.
Comment: This sequence change replaces aspartic acid, which is acidic and polar, with asparagine, which is neutral and polar, at codon 2656 of the RELN protein (p.Asp2656Asn). This variant is not present in population databases (gnomAD no frequency). This missense change has been observed in individual(s) with clinical features of RELN-related conditions (PMID: 33004838). Advanced modeling of protein sequence and biophysical properties (such as structural, functional, and spatial information, amino acid conservation, physicochemical variation, residue mobility, and thermodynamic stability) performed at Invitae indicates that this missense variant is not expected to disrupt RELN protein function. In summary, the available evidence is currently insufficient to determine the role of this variant in disease. Therefore, it has been classified as a Variant of Uncertain Significance.

Literature cited by the submitters: PubMed 33004838.